The following is an entry in ClinVar:

ClinVar aggregate classification (germline): Uncertain significance (1 of 4 stars; one submission).

Conditions:
Inborn genetic diseases. Identifiers: MedGen C0950123, MeSH D030342.

gnomAD v4.1: 1 of 1,613,660 alleles (0.000062%); highest among the groups gnomAD compares: African/African-American, 0.0013%; no homozygotes.

Submission:

Ambry Genetics
Classification: Uncertain significance for Inborn genetic diseases. Last evaluated: 2026-06-14. Review status: criteria provided, single submitter. Criteria: Ambry Variant Classification Scheme 2023. Collection method: clinical testing. Allele origin: germline.
Comment: The p.E207K variant (also known as c.619G>A), located in coding exon 2 of the FANCM gene, results from a G to A substitution at nucleotide position 619. The glutamic acid at codon 207 is replaced by lysine, an amino acid with similar properties. This amino acid position is conserved. In addition, this alteration is predicted to be tolerated by in silico analysis. Based on the available evidence, the clinical significance of this variant remains unclear.

NM_020937.4(FANCM):c.619G>A (p.Glu207Lys)

Gene: FANCM (FA complementation group M; plus strand). Cytogenetic location: 14q21.2.
Variant type: single nucleotide variant.
Coding change: c.619G>A on transcript NM_020937.4 (MANE Select); coding-DNA position 619, G replaced by A.
Protein change: p.Glu207Lys; replaces glutamic acid 207 with lysine.
Molecular consequence: missense variant.
Genome position (GRCh38, 1-based): chr14:45,137,179, G>A. VCF-style: chr14-45137179-G-A. GRCh37 (hg19) VCF-style: chr14-45606382-G-A.
Other names: c.619G>A, p.Glu207Lys (NM_001308133.2, NM_001308134.2); short protein forms E207K.
Identifiers: ClinVar variation 4871200 (VCV004871200.1).